The following is an entry in ClinVar:

NM_006767.4(LZTR1):c.108C>T (p.Asp36=)

Genes: LZTR1 (leucine zipper like post translational regulator 1; plus strand), LOC130067016 (ATAC-STARR-seq lymphoblastoid silent region 13504; plus strand). Cytogenetic location: 22q11.21.
Variant type: single nucleotide variant.
Coding change: c.108C>T on transcript NM_006767.4 (MANE Select); coding-DNA position 108, C replaced by T.
Protein change: p.Asp36=; no amino-acid change (aspartic acid 36 retained).
Molecular consequence: synonymous variant.
Genome position (GRCh38, 1-based): chr22:20,982,479, C>T. VCF-style: chr22-20982479-C-T. GRCh37 (hg19) VCF-style: chr22-21336768-C-T.
Identifiers: ClinVar variation 1788782 (VCV001788782.9), dbSNP rs1030184546, ClinGen allele CA322316167.

ClinVar aggregate classification (germline): Likely benign. Review status: criteria provided, multiple submitters, no conflicts (2 of 4 stars). 3 submissions from 3 submitters: Likely benign (2). 1 of the submissions does not count toward it. Last evaluated 2026-01-04.

Conditions:
Hereditary cancer-predisposing syndrome. Also called: Hereditary Cancer Syndrome; Hereditary neoplastic syndrome; Tumor predisposition; Neoplastic Syndromes, Hereditary. Identifiers: Orphanet 140162, MedGen C0027672, MeSH D009386, MONDO:0015356.
Cardiovascular phenotype. Identifiers: MedGen CN230736.
LZTR1-related disorder. Also called: LZTR1-related disorders; LZTR1-related condition.

Allele frequency attached by ClinVar (database versions not stated): gnomAD 0.00001; gnomAD exomes 0.00001; TOPMed 0.00001.
gnomAD v4.1: 12 of 1,611,330 alleles (0.00074%); highest among the groups gnomAD compares: Non-Finnish European, 0.001%; no homozygotes.

Submissions (3):

Labcorp Genetics (formerly Invitae), Labcorp
Classification: Likely benign. Last evaluated: 2026-01-04. Review status: criteria provided, single submitter. Criteria: Invitae Variant Classification Sherloc (09022015). Collection method: clinical testing. Allele origin: germline.

Ambry Genetics
Classification: Likely benign for Cardiovascular phenotype; Hereditary cancer-predisposing syndrome. Last evaluated: 2022-02-03. Review status: criteria provided, single submitter. Criteria: Ambry Variant Classification Scheme 2023. Collection method: clinical testing. Allele origin: germline.

PreventionGenetics, part of Exact Sciences
Classification: Likely benign for LZTR1-related condition. Last evaluated: 2022-10-25. Review status: no assertion criteria provided. Collection method: clinical testing. Allele origin: germline. Not counted in ClinVar's aggregate classification.
Comment: This variant is classified as likely benign based on ACMG/AMP sequence variant interpretation guidelines (Richards et al. 2015 PMID: 25741868, with internal and published modifications).